The following is an entry in ClinVar:

NM_003392.7(WNT5A):c.503C>T (p.Ala168Val)

Gene: WNT5A (Wnt family member 5A; minus strand). Cytogenetic location: 3p14.3.
Variant type: single nucleotide variant.
Coding change: c.503C>T on transcript NM_003392.7 (MANE Select); coding-DNA position 503, C replaced by T.
Protein change: p.Ala168Val; replaces alanine 168 with valine.
Molecular consequence: missense variant.
Genome position (GRCh38, 1-based): chr3:55,474,518, G>A on the plus strand (C>T on the coding strand, the complement: WNT5A is on the minus strand). VCF-style: chr3-55474518-G-A. GRCh37 (hg19) VCF-style: chr3-55508546-G-A.
Other names: c.458C>T, p.Ala153Val (NM_001256105.1, NM_001377271.1, NM_001377272.1); short protein forms A153V, A168V.
Identifiers: ClinVar variation 1017137 (VCV001017137.6), dbSNP rs778761167, ClinGen allele CA2459042.

ClinVar aggregate classification (germline): Uncertain significance. Review status: criteria provided, multiple submitters, no conflicts (2 of 4 stars). 2 submissions from 2 submitters: Uncertain significance (2). Last evaluated 2024-05-21.

Conditions:
Autosomal dominant Robinow syndrome 1. Also called: Covesdem syndrome (formerly); Costovertebral segmentation defect with mesomelia (formerly); FETAL FACE SYNDROME; ROBINOW DWARFISM; WNT5A-Related Robinow Syndrome, Autosomal Dominant; ACRAL DYSOSTOSIS WITH FACIAL AND GENITAL ABNORMALITIES. Identifiers: Orphanet 3107, Orphanet 97360, MedGen C4551475, MONDO:0024455, OMIM 180700.

Allele frequency attached by ClinVar (database versions not stated): gnomAD exomes 0.00001; gnomAD 0.00002; TOPMed 0.00002.

Submissions (2):

Labcorp Genetics (formerly Invitae), Labcorp
Classification: Uncertain significance. Last evaluated: 2024-05-21. Review status: criteria provided, single submitter. Criteria: Invitae Variant Classification Sherloc (09022015). Collection method: clinical testing. Allele origin: germline.
Comment: This sequence change replaces alanine, which is neutral and non-polar, with valine, which is neutral and non-polar, at codon 168 of the WNT5A protein (p.Ala168Val). This variant is present in population databases (rs778761167, gnomAD 0.003%). This variant has not been reported in the literature in individuals affected with WNT5A-related conditions. ClinVar contains an entry for this variant (Variation ID: 1017137). Advanced modeling of protein sequence and biophysical properties (such as structural, functional, and spatial information, amino acid conservation, physicochemical variation, residue mobility, and thermodynamic stability) performed at Invitae indicates that this missense variant is not expected to disrupt WNT5A protein function with a negative predictive value of 80%. In summary, the available evidence is currently insufficient to determine the role of this variant in disease. Therefore, it has been classified as a Variant of Uncertain Significance.

Fulgent Genetics
Classification: Uncertain significance for Autosomal dominant Robinow syndrome 1. Last evaluated: 2024-02-07. Review status: criteria provided, single submitter. Criteria: ACMG Guidelines, 2015. Collection method: clinical testing. Allele origin: germline.